The following is an entry in ClinVar:

NM_031220.4(PITPNM3):c.1452_1453insTGC (p.Ser484_Pro485insCys)

Gene: PITPNM3 (PITPNM family member 3; minus strand). Cytogenetic location: 17p13.2.
Variant type: Insertion.
Coding change: c.1452_1453insTGC on transcript NM_031220.4 (MANE Select); coding-DNA positions 1452 to 1453, TGC inserted.
Protein change: p.Ser484_Pro485insCys.
Molecular consequence: inframe insertion.
Genome position: GRCh38 VCF-style: chr17-6471332-G-GGCA. GRCh37 (hg19) VCF-style: chr17-6374652-G-GGCA.
Other names: c.1344_1345insTGC, p.Ser448_Pro449insCys (NM_001165966.2).
Identifiers: ClinVar variation 1464740 (VCV001464740.8), dbSNP rs762530328, ClinGen allele CA8329494.

ClinVar aggregate classification (germline): Uncertain significance (1 of 4 stars; one submission).

Submission:

Labcorp Genetics (formerly Invitae), Labcorp
Classification: Uncertain significance. Last evaluated: 2022-10-21. Review status: criteria provided, single submitter. Criteria: Invitae Variant Classification Sherloc (09022015). Collection method: clinical testing. Allele origin: germline.
Comment: This variant, c.1452_1453insTGC, results in the insertion of 1 amino acid(s) of the PITPNM3 protein (p.Ser484_Pro485insCys), but otherwise preserves the integrity of the reading frame. This variant is present in population databases (rs762530328, gnomAD 0.01%). This variant has not been reported in the literature in individuals affected with PITPNM3-related conditions. ClinVar contains an entry for this variant (Variation ID: 1464740). Experimental studies and prediction algorithms are not available or were not evaluated, and the functional significance of this variant is currently unknown. In summary, the available evidence is currently insufficient to determine the role of this variant in disease. Therefore, it has been classified as a Variant of Uncertain Significance.